The following is an entry in ClinVar:

ClinVar aggregate classification (germline): Uncertain significance. Review status: criteria provided, multiple submitters, no conflicts (2 of 4 stars). 5 submissions from 5 submitters: Uncertain significance (4). 1 of the submissions does not count toward it. Last evaluated 2026-03-11.

Conditions:
MKS1-related disorder. Also called: MKS1-related condition; MKS1-related disorders. Identifiers: MedGen CN239382.
Meckel-Gruber syndrome. Also called: GRUBER SYNDROME; Dysencephalia splachnocystica; DYSENCEPHALIA SPLANCHNOCYSTICA. Identifiers: Orphanet 564, MedGen C0265215, MONDO:0018921.
Joubert syndrome. Also called: Familial aplasia of the vermis; JOUBERT-BOLTSHAUSER SYNDROME. Identifiers: Orphanet 475, MedGen C5979921, MONDO:0018772.
Meckel syndrome, type 1 (MKS1). Also called: MECKEL-GRUBER SYNDROME, TYPE 1. Identifiers: Orphanet 564, MedGen C3714506, MONDO:0009571, OMIM 249000.

Allele frequency attached by ClinVar (database versions not stated): gnomAD 0.00001; TOPMed 0.00002; ExAC 0.00004; gnomAD exomes 0.00004.
gnomAD v4.1: 38 of 1,613,980 alleles (0.0024%); highest among the groups gnomAD compares: Admixed American, 0.0067%; no homozygotes.

Submissions (5):

GeneDx
Classification: Uncertain significance. Last evaluated: 2026-03-11. Review status: criteria provided, single submitter. Criteria: GeneDx Variant Classification Process June 2021. Collection method: clinical testing. Allele origin: germline.
Comment: Not observed at significant frequency in large population cohorts (gnomAD); In silico analysis suggests that this missense variant does not alter protein structure/function; Has not been previously published as pathogenic or benign in association with MKS1-related cilopathies to our knowledge; This variant is associated with the following publications: (PMID: 26362251)

PreventionGenetics, part of Exact Sciences
Classification: Uncertain significance for MKS1-related condition. Last evaluated: 2025-12-10. Review status: criteria provided, single submitter. Criteria: ACMG Guidelines, 2015. Collection method: clinical testing. Allele origin: germline.
Comment: The MKS1 c.200G>A variant is predicted to result in the amino acid substitution p.Arg67His. To our knowledge, this variant has not been reported in the literature. This variant is reported in 0.012% of alleles in individuals of Latino descent in gnomAD. Of note, a different substitution at the same codon, defined as c.199C>T (p.Arg67Cys), was reported in a study of congenital contractural arachnodactyly (CCA) (Li et al. 2023. PubMed ID: 36936417). At this time, the clinical significance of the c.200G>A (p.Arg67His) variant is uncertain due to the absence of conclusive functional and genetic evidence.

Blueprint Genetics
Classification: Uncertain significance. Last evaluated: 2023-10-04. Review status: criteria provided, single submitter. Criteria: ACMG Guidelines, 2015. Collection method: clinical testing. Allele origin: germline.

Labcorp Genetics (formerly Invitae), Labcorp
Classification: Uncertain significance for Joubert syndrome; Meckel-Gruber syndrome. Last evaluated: 2022-03-15. Review status: criteria provided, single submitter. Criteria: Invitae Variant Classification Sherloc (09022015). Collection method: clinical testing. Allele origin: germline.
Comment: This sequence change replaces arginine, which is basic and polar, with histidine, which is basic and polar, at codon 67 of the MKS1 protein (p.Arg67His). This variant is present in population databases (rs780293222, gnomAD 0.01%). This variant has not been reported in the literature in individuals affected with MKS1-related conditions. ClinVar contains an entry for this variant (Variation ID: 970159). Advanced modeling of protein sequence and biophysical properties (such as structural, functional, and spatial information, amino acid conservation, physicochemical variation, residue mobility, and thermodynamic stability) performed at Invitae indicates that this missense variant is not expected to disrupt MKS1 protein function. In summary, the available evidence is currently insufficient to determine the role of this variant in disease. Therefore, it has been classified as a Variant of Uncertain Significance.

Natera, Inc.
Classification: Uncertain significance for Meckel syndrome type 1. Last evaluated: 2020-02-28. Review status: no assertion criteria provided. Collection method: clinical testing. Allele origin: germline. Not counted in ClinVar's aggregate classification.

NM_017777.4(MKS1):c.200G>A (p.Arg67His)

Gene: MKS1 (MKS transition zone complex subunit 1; minus strand). Cytogenetic location: 17q22.
Variant type: single nucleotide variant.
Coding change: c.200G>A on transcript NM_017777.4 (MANE Select); coding-DNA position 200, G replaced by A.
Protein change: p.Arg67His; replaces arginine 67 with histidine.
Molecular consequence: missense variant. On other transcripts: 5 prime UTR variant (1).
Genome position (GRCh38, 1-based): chr17:58,216,727, C>T on the plus strand (G>A on the coding strand, the complement: MKS1 is on the minus strand). VCF-style: chr17-58216727-C-T. GRCh37 (hg19) VCF-style: chr17-56294088-C-T.
Other names: c.-312G>A (NM_001321268.2); c.200G>A, p.Arg67His (NM_001321269.2, NM_001330397.2); short protein forms R67H.
Identifiers: ClinVar variation 970159 (VCV000970159.8), dbSNP rs780293222, ClinGen allele CA8669606.